The following is an entry in ClinVar:

NM_001377.3(DYNC2H1):c.2244C>T (p.His748=)

Gene: DYNC2H1 (dynein cytoplasmic 2 heavy chain 1; plus strand). Cytogenetic location: 11q22.3.
Variant type: single nucleotide variant.
Coding change: c.2244C>T on transcript NM_001377.3 (MANE Select); coding-DNA position 2244, C replaced by T.
Protein change: p.His748=; no amino-acid change (histidine 748 retained).
Molecular consequence: synonymous variant.
Genome position (GRCh38, 1-based): chr11:103,135,533, C>T. VCF-style: chr11-103135533-C-T. GRCh37 (hg19) VCF-style: chr11-103006262-C-T.
Other names: c.2244C>T, p.His748= (NM_001080463.2).
Identifiers: ClinVar variation 302016 (VCV000302016.17), dbSNP rs373707570, ClinGen allele CA6252992.
Genomic context (GRCh38, chr11:103,135,533, plus strand): 5'-AAATGTGAATGTAACATATTAGGGATTCCAAGCAAGTGACATGCATGCATGGAAACAACA[C>T]TGGAATCATCAACTGTACAAAGCTCTGGAGCATCAGTACCAGATGGGCTTAGAAGCACTT-3'
Protein context (NP_001368.2, residues 738-758): QASDMHAWKQ[His748=]WNHQLYKALE

ClinVar aggregate classification (germline): Conflicting classifications of pathogenicity. Review status: criteria provided, conflicting classifications (1 of 4 stars). 7 submissions from 7 submitters: Uncertain significance (1); Likely benign (6). Last evaluated 2026-02-03.

Conditions:
Jeune thoracic dystrophy. Also called: Short-rib thoracic dysplasia; Jeune syndrome; Infantile thoracic dystrophy; Thoracic pelvic phalangeal dystrophy; Jeune's syndrome; Chondroectodermal dysplasia-like syndrome. Identifiers: Orphanet 474, MedGen C0265275, MONDO:0018770.
Asphyxiating thoracic dystrophy 3. Also called: POLYDACTYLY WITH NEONATAL CHONDRODYSTROPHY, TYPE I; SHORT-RIB THORACIC DYSPLASIA 3 WITH OR WITHOUT POLYDACTYLY; SHORT-RIB THORACIC DYSPLASIA 3/6 WITH POLYDACTYLY, DIGENIC; Short rib polydactyly syndrome 2B; Saldino-Noonan Syndrome. Identifiers: Orphanet 474, Orphanet 93269, Orphanet 93270, Orphanet 93271, MedGen C0036069, MONDO:0013127, OMIM 613091.
DYNC2H1-related disorder. Also called: DYNC2H1-related condition; DYNC2H1-related disorders. Identifiers: MedGen CN378770.

Allele frequency attached by ClinVar (database versions not stated): gnomAD exomes 0.00014 and 0.00030; ESP Exome Variant Server 0.00034; TOPMed 0.00034; gnomAD 0.00039 and 0.00047; ExAC 0.00043; 1000 Genomes Project 30x 0.00094; 1000 Genomes Project 0.00100.
gnomAD v4.1: 268 of 1,601,966 alleles (0.017%); highest among the groups gnomAD compares: South Asian, 0.18%; 1 homozygote.

Submissions (7):

Women's Health and Genetics/Laboratory Corporation of America, LabCorp
Classification: Likely benign. Last evaluated: 2026-02-03. Review status: criteria provided, single submitter. Criteria: LabCorp Variant Classification Summary - May 2015. Collection method: clinical testing. Allele origin: germline.

Labcorp Genetics (formerly Invitae), Labcorp
Classification: Likely benign for Jeune thoracic dystrophy. Last evaluated: 2026-01-28. Review status: criteria provided, single submitter. Criteria: Invitae Variant Classification Sherloc (09022015). Collection method: clinical testing. Allele origin: germline.

PreventionGenetics, part of Exact Sciences
Classification: Likely benign for DYNC2H1-related condition. Last evaluated: 2024-11-15. Review status: criteria provided, single submitter. Criteria: ACMG Guidelines, 2015. Collection method: clinical testing. Allele origin: germline.
Comment: This variant is classified as likely benign based on ACMG/AMP sequence variant interpretation guidelines (Richards et al. 2015 PMID: 25741868, with internal and published modifications).

Blueprint Genetics
Classification: Likely benign. Last evaluated: 2024-05-21. Review status: criteria provided, single submitter. Criteria: ACMG Guidelines, 2015. Collection method: clinical testing. Allele origin: germline.

Genetic Services Laboratory, University of Chicago
Classification: Likely benign. Last evaluated: 2021-12-10. Review status: criteria provided, single submitter. Criteria: ACMG Guidelines, 2015. Collection method: clinical testing. Allele origin: germline. Affected: no.

GeneDx
Classification: Likely benign. Last evaluated: 2020-01-11. Review status: criteria provided, single submitter. Criteria: GeneDx Variant Classification Process June 2021. Collection method: clinical testing. Allele origin: germline. Affected: yes.

Illumina Laboratory Services, Illumina
Classification: Uncertain significance for Asphyxiating thoracic dystrophy 3. Last evaluated: 2018-01-13. Review status: criteria provided, single submitter. Criteria: ICSL Variant Classification Criteria 13 December 2019. Collection method: clinical testing. Allele origin: germline.